The following is an entry in ClinVar:

ClinVar aggregate classification (germline): Conflicting classifications of pathogenicity. Review status: criteria provided, conflicting classifications (1 of 4 stars). 2 submissions from 2 submitters: Pathogenic (1); Uncertain significance (1). Last evaluated 2024-08-07.

Conditions:
Loeys-Dietz syndrome (LDS). Identifiers: Orphanet 60030, MedGen C2697932, MONDO:0018954.
Familial thoracic aortic aneurysm and aortic dissection (TAAD). Also called: Thoracic aortic aneurysms and dissections. Identifiers: Orphanet 91387, MedGen C4707243, MONDO:0019625.

Submissions (2):

Labcorp Genetics (formerly Invitae), Labcorp
Classification: Pathogenic for Familial thoracic aortic aneurysm and aortic dissection. Last evaluated: 2024-08-07. Review status: criteria provided, single submitter. Criteria: Invitae Variant Classification Sherloc (09022015). Collection method: clinical testing. Allele origin: germline.
Comment: This sequence change creates a premature translational stop signal (p.Cys41Tyrfs*33) in the TGFBR1 gene. It is expected to result in an absent or disrupted protein product. Loss-of-function variants in TGFBR1 are known to be pathogenic (PMID: 21358634). This variant is not present in population databases (gnomAD no frequency). This variant has not been reported in the literature in individuals affected with TGFBR1-related conditions. For these reasons, this variant has been classified as Pathogenic.

All of Us Research Program, National Institutes of Health
Classification: Uncertain significance for Loeys-Dietz syndrome. Last evaluated: 2023-07-13. Review status: criteria provided, single submitter. Criteria: ACMG Guidelines, 2015. Collection method: clinical testing. Allele origin: germline. Inheritance: Autosomal dominant inheritance. Observed: 1 variant allele, 1 heterozygote.
Comment: Gene for which null variants are not an established cause for the relevant disease.

This study involves interpretation of variants in research participants for the purpose of population health screening. Participant phenotype was not available at the time of variant classification. Additional details can be found in publication PMID: 35346344, PMCID: PMC8962531

Literature cited by the submitters: PubMed 21358634 (cited by Labcorp Genetics (formerly Invitae), Labcorp).

NM_004612.4(TGFBR1):c.122_123del (p.Cys41fs)

Gene: TGFBR1 (transforming growth factor beta receptor 1; plus strand). Cytogenetic location: 9q22.33.
Variant type: Deletion.
Coding change: c.122_123del on transcript NM_004612.4 (MANE Select); coding-DNA positions 122 to 123, 2 bases deleted (GT; older notation c.122_123delGT).
Protein change: p.Cys41fs; shifts the reading frame from cysteine 41.
Molecular consequence: frameshift variant. On other transcripts: 5 prime UTR variant (15), non-coding transcript variant (4), intron variant (3).
Genome position (GRCh38, 1-based): chr9:99,128,879-99,128,880, GT deleted; deleting any 2 consecutive bases within chr9:99,128,878-99,128,880 gives the same sequence; the c. name uses the placement nearest the transcript's 3' end. VCF-style (leftmost placement, unchanged base first): chr9-99128877-CTG-C. GRCh37 (hg19) VCF-style: chr9-101891159-CTG-C.
Other names: c.122_123del, p.Cys41fs (NM_001130916.3, NM_001306210.2, NM_001407416.1 and 2 more transcripts); c.-86_-85del (NM_001407418.1, NM_001407419.1, NM_001407420.1 and 12 more transcripts); c.98-3630_98-3629del (NM_001407436.1); c.98-8980_98-8979del (NM_001407438.1); c.98-13657_98-13656del (NM_001407437.1); short protein forms C41fs.
Identifiers: ClinVar variation 3072295 (VCV003072295.3), dbSNP rs2490105161, ClinGen allele CA2825001656.